The following is an entry in ClinVar:

NM_018928.3(PCDHGC4):c.2406A>G (p.Pro802=)

Genes: PCDHG@ (protocadherin gamma cluster; plus strand), PCDHGA1 (protocadherin gamma subfamily A, 1; plus strand), PCDHGA10 (protocadherin gamma subfamily A, 10; plus strand), PCDHGA11 (protocadherin gamma subfamily A, 11; plus strand), PCDHGA12 (protocadherin gamma subfamily A, 12; plus strand) and 17 more. Cytogenetic location: 5q31.3.
Variant type: single nucleotide variant.
Coding change: c.2406A>G on transcript NM_018928.3 (MANE Select); coding-DNA position 2406, A replaced by G.
Protein change: p.Pro802=; no amino-acid change (proline 802 retained).
Molecular consequence: synonymous variant. On other transcripts: intron variant (23).
Genome position (GRCh38, 1-based): chr5:141,487,579, A>G. VCF-style: chr5-141487579-A-G. GRCh37 (hg19) VCF-style: chr5-140867146-A-G.
Other names: c.2431-7228A>G (NM_002588.4); c.31-7228A>G (NM_032403.3); c.12+2394A>G (NM_001386884.1); c.2398-7228A>G (NM_018925.3, NM_003736.4); c.2425-7228A>G (NM_018921.3, NM_003735.3, NM_018915.4 and 4 more transcripts); c.2419-7228A>G (NM_018926.3); c.2437-7228A>G (NM_018913.3); c.2416-7228A>G (NM_018927.4, NM_018924.5); and 6 more.
Identifiers: ClinVar variation 3778162 (VCV003778162.7).

ClinVar aggregate classification (germline): Likely benign (1 of 4 stars; one submission).

gnomAD v4.1: 60 of 1,614,022 alleles (0.0037%); highest among the groups gnomAD compares: South Asian, 0.06%; no homozygotes.

Submission:

CeGaT Center for Human Genetics Tuebingen
Classification: Likely benign. Last evaluated: 2025-03-01. Review status: criteria provided, single submitter. Criteria: CeGaT Center For Human Genetics Tuebingen Variant Classification Criteria Version 2. Collection method: clinical testing. Allele origin: germline. Affected: yes. Observed: 1 variant allele.
Comment: PCDHGC4: BP4, BP7